The following is an entry in ClinVar:

NM_000138.5(FBN1):c.4151T>C (p.Met1384Thr)

Gene: FBN1 (fibrillin 1; minus strand). Cytogenetic location: 15q21.1.
Variant type: single nucleotide variant.
Coding change: c.4151T>C on transcript NM_000138.5 (MANE Select); coding-DNA position 4151, T replaced by C.
Protein change: p.Met1384Thr; replaces methionine 1384 with threonine.
Molecular consequence: missense variant.
Genome position (GRCh38, 1-based): chr15:48,474,314, A>G on the plus strand (T>C on the coding strand, the complement: FBN1 is on the minus strand). VCF-style: chr15-48474314-A-G. GRCh37 (hg19) VCF-style: chr15-48766511-A-G.
Other names: short protein forms M1384T.
Identifiers: ClinVar variation 549211 (VCV000549211.9), dbSNP rs1555397658, ClinGen allele CA392320218.

ClinVar aggregate classification (germline): Uncertain significance. Review status: criteria provided, single submitter (1 of 4 stars). 2 submissions from 2 submitters: Uncertain significance (1). 1 of the submissions does not count toward it. Last evaluated 2018-11-08.

Conditions:
Marfan syndrome (MFS). Also called: Marfan syndrome type 1; Marfan syndrome, classic; Marfan's syndrome; FBN1-Related Marfan Syndrome; MARFAN SYNDROME, TYPE I. Identifiers: Orphanet 284963, Orphanet 558, MedGen C0024796, MONDO:0007947, OMIM 154700.
Familial thoracic aortic aneurysm and aortic dissection (TAAD). Also called: Thoracic aortic aneurysms and dissections. Identifiers: Orphanet 91387, MedGen C4707243, MONDO:0019625.

Submissions (2):

Labcorp Genetics (formerly Invitae), Labcorp
Classification: Uncertain significance for Marfan syndrome; Familial thoracic aortic aneurysm and aortic dissection. Last evaluated: 2018-11-08. Review status: criteria provided, single submitter. Criteria: Invitae Variant Classification Sherloc (09022015). Collection method: clinical testing. Allele origin: germline.
Comment: In summary, the available evidence is currently insufficient to determine the role of this variant in disease. Therefore, it has been classified as a Variant of Uncertain Significance. Algorithms developed to predict the effect of missense changes on protein structure and function are either unavailable or do not agree on the potential impact of this missense change (SIFT: "Tolerated"; PolyPhen-2: "Possibly Damaging"; Align-GVGD: "Class C0"). This variant has been observed in individuals affected with Marfan syndrome or incomplete Marfan syndrome (PMID: 27906200, Invitae) and segregates with disease in a family (Invitae). ClinVar contains an entry for this variant (Variation ID: 549211). This variant is not present in population databases (ExAC no frequency). This sequence change replaces methionine with threonine at codon 1384 of the FBN1 protein (p.Met1384Thr). The methionine residue is highly conserved and there is a moderate physicochemical difference between methionine and threonine.

Center for Medical Genetics Ghent, University of Ghent
Classification: Likely pathogenic for Marfan syndrome. Last evaluated: 2017-11-07. Review status: no assertion criteria provided. Collection method: clinical testing. Allele origin: germline. Affected: yes. Not counted in ClinVar's aggregate classification.

Literature cited by the submitters: PubMed 27906200 (cited by Labcorp Genetics (formerly Invitae), Labcorp).